The following is an entry in ClinVar:

NM_000520.6(HEXA):c.1422-2A>G

Gene: HEXA (hexosaminidase subunit alpha; minus strand). Cytogenetic location: 15q23.
Variant type: single nucleotide variant.
Coding change: c.1422-2A>G on transcript NM_000520.6 (MANE Select); the canonical splice acceptor site of the intron before coding-DNA position 1422, A replaced by G.
Molecular consequence: splice acceptor variant.
Genome position (GRCh38, 1-based): chr15:72,345,552, T>C on the plus strand (A>G on the coding strand, the complement: HEXA is on the minus strand). VCF-style: chr15-72345552-T-C. GRCh37 (hg19) VCF-style: chr15-72637893-T-C.
Other names: c.1455-2A>G (NM_001318825.2).
Identifiers: ClinVar variation 2137729 (VCV002137729.4), dbSNP rs2542510037, ClinGen allele CA393058938.
Genomic context (GRCh38, chr15:72,345,552, plus strand): 5'-TCAGGTCAGATGTCAACTTGTTGCTCCACAGCCTTTCGGCAACAGCCCCTGCTCTGGGCC[T>C]GGAGGAAAAGGGGCATGTGCCAGATTGGGCCCTGTATTCCCTGCAAAGGTGCTGGACATC-3'

ClinVar aggregate classification (germline): Pathogenic (1 of 4 stars; one submission).

Conditions:
Tay-Sachs disease (TSD). Also called: GM2 gangliosidosis, type 1; Hexosaminidase alpha-subunit deficiency (variant B); Sphingolipidosis, Tay-Sachs; Hexosaminidase A Deficiency; HEXA DEFICIENCY; HEXA Disorders. Identifiers: Orphanet 845, MedGen C0039373, MONDO:0010100, OMIM 272800.

Submission:

Labcorp Genetics (formerly Invitae), Labcorp
Classification: Pathogenic for Tay-Sachs disease. Last evaluated: 2022-09-19. Review status: criteria provided, single submitter. Criteria: Invitae Variant Classification Sherloc (09022015). Collection method: clinical testing. Allele origin: germline.
Comment: For these reasons, this variant has been classified as Pathogenic. Algorithms developed to predict the effect of sequence changes on RNA splicing suggest that this variant may disrupt the consensus splice site. Disruption of this splice site has been observed in individual(s) with Hexosaminidase A deficiency (PMID: 22789865). This variant is not present in population databases (gnomAD no frequency). This sequence change affects an acceptor splice site in intron 12 of the HEXA gene. It is expected to disrupt RNA splicing. Variants that disrupt the donor or acceptor splice site typically lead to a loss of protein function (PMID: 16199547), and loss-of-function variants in HEXA are known to be pathogenic (PMID: 1833974, 8490625).

Literature cited by the submitters: PubMed 22789865; PubMed 16199547; PubMed 1833974; PubMed 8490625.